The following is an entry in ClinVar:

NM_001277313.2(FMN1):c.2162-2A>G

Gene: FMN1 (formin 1; minus strand). Cytogenetic location: 15q13.3.
Variant type: single nucleotide variant.
Coding change: c.2162-2A>G on transcript NM_001277313.2 (MANE Select); the canonical splice acceptor site of the intron before coding-DNA position 2162, A replaced by G.
Molecular consequence: splice acceptor variant.
Genome position (GRCh38, 1-based): chr15:33,008,077, T>C on the plus strand (A>G on the coding strand, the complement: FMN1 is on the minus strand). VCF-style: chr15-33008077-T-C. GRCh37 (hg19) VCF-style: chr15-33300278-T-C.
Other names: c.1493-2A>G (NM_001103184.4).
Identifiers: ClinVar variation 4857733 (VCV004857733.1).
Genomic context (GRCh38, chr15:33,008,077, plus strand): 5'-CAGGTTTTCAATTTCTTCTTTGTGCTCCCTCTTCAAGTGTAAAATAGCAGCTTGGTATTC[T>C]GTAAAATCAAAAAAGAGGCCAATTATAAAGAAGTACAAAATTAAGCACAAAATTTATCTA-3'

ClinVar aggregate classification (germline): Likely pathogenic (1 of 4 stars; one submission).

Conditions:
Hearing loss, autosomal recessive. Also called: Deafness, autosomal recessive; Autosomal recessive nonsyndromic deafness; Rare autosomal recessive non-syndromic sensorineural deafness type DFNB; Nonsyndromic Hearing Loss, Recessive. Identifiers: Orphanet 90635, Orphanet 90636, MedGen C1846647, MONDO:0019588, OMIM 607197.

Submission:

King Laboratory, University of Washington
Classification: Likely pathogenic for Deafness, autosomal recessive. Last evaluated: 2026-06-10. Review status: criteria provided, single submitter. Criteria: ACMG Guidelines, 2015. Collection method: research. Allele origin: germline. Inheritance: Autosomal recessive inheritance. Affected: yes. Observed: 1 variant allele, 1 homozygote.
Comment: Supported by functional studies of hearing loss on the Fmn1 pro/pro (Formin 1) mouse model